The following is an entry in ClinVar:

NM_182931.3(KMT2E):c.4062G>A (p.Met1354Ile)

Gene: KMT2E (lysine methyltransferase 2E (inactive); plus strand). Cytogenetic location: 7q22.3.
Variant type: single nucleotide variant.
Coding change: c.4062G>A on transcript NM_182931.3 (MANE Select); coding-DNA position 4062, G replaced by A.
Protein change: p.Met1354Ile; replaces methionine 1354 with isoleucine.
Molecular consequence: missense variant.
Genome position (GRCh38, 1-based): chr7:105,110,862, G>A. VCF-style: chr7-105110862-G-A. GRCh37 (hg19) VCF-style: chr7-104751309-G-A.
Other names: c.3936G>A, p.Met1312Ile (NM_001410908.1); c.4062G>A, p.Met1354Ile (NM_018682.4); c.4062G>A (NM_182931.2); short protein forms M1312I, M1354I.
Identifiers: ClinVar variation 2901610 (VCV002901610.3), dbSNP rs756586754, ClinGen allele CA4424657.
Genomic context (GRCh38, chr7:105,110,862, plus strand): 5'-TACGAATGAATGTCCATCCCCAGATACTTCTCAAAATACTTGTAAAAGTCCTCCAAAAAT[G>A]AGCAAGGTAATAACATTGACCTTTCGATGGGTTCCAAAGGACTTTAGGTTGAGTGCAGAA-3'
Protein context (NP_891847.1, residues 1344-1364): SQNTCKSPPK[Met1354Ile]SKPGSPGSVI

ClinVar aggregate classification (germline): Uncertain significance. Review status: criteria provided, multiple submitters, no conflicts (2 of 4 stars). 2 submissions from 2 submitters: Uncertain significance (2). Last evaluated 2025-05-16.

Conditions:
Inborn genetic diseases. Identifiers: MedGen C0950123, MeSH D030342.

Allele frequency attached by ClinVar (database versions not stated): TOPMed below 0.00001.

Submissions (2):

Ambry Genetics
Classification: Uncertain significance for Inborn genetic diseases. Last evaluated: 2025-05-16. Review status: criteria provided, single submitter. Criteria: Ambry Variant Classification Scheme 2023. Collection method: clinical testing. Allele origin: germline.

Labcorp Genetics (formerly Invitae), Labcorp
Classification: Uncertain significance. Last evaluated: 2023-04-23. Review status: criteria provided, single submitter. Criteria: Invitae Variant Classification Sherloc (09022015). Collection method: clinical testing. Allele origin: germline.
Comment: In summary, the available evidence is currently insufficient to determine the role of this variant in disease. Therefore, it has been classified as a Variant of Uncertain Significance. Advanced modeling of protein sequence and biophysical properties (such as structural, functional, and spatial information, amino acid conservation, physicochemical variation, residue mobility, and thermodynamic stability) performed at Invitae indicates that this missense variant is not expected to disrupt KMT2E protein function. This variant has not been reported in the literature in individuals affected with KMT2E-related conditions. This variant is present in population databases (rs756586754, gnomAD 0.0009%). This sequence change replaces methionine, which is neutral and non-polar, with isoleucine, which is neutral and non-polar, at codon 1354 of the KMT2E protein (p.Met1354Ile).